The following is an entry in ClinVar:

ClinVar aggregate classification (germline): Uncertain significance. Review status: criteria provided, multiple submitters, no conflicts (2 of 4 stars). 3 submissions from 3 submitters: Uncertain significance (3). Last evaluated 2025-07-31.

Conditions:
Inborn genetic diseases. Identifiers: MedGen C0950123, MeSH D030342.

Allele frequency attached by ClinVar (database versions not stated): ExAC 0.00001; TOPMed 0.00001.
gnomAD v4.1: 11 of 1,610,216 alleles (0.00068%); highest among the groups gnomAD compares: Non-Finnish European, 0.00076%; no homozygotes.

Submissions (3):

Ambry Genetics
Classification: Uncertain significance for Inborn genetic diseases. Last evaluated: 2025-07-31. Review status: criteria provided, single submitter. Criteria: Ambry Variant Classification Scheme 2023. Collection method: clinical testing. Allele origin: germline.

Labcorp Genetics (formerly Invitae), Labcorp
Classification: Uncertain significance. Last evaluated: 2024-07-15. Review status: criteria provided, single submitter. Criteria: Invitae Variant Classification Sherloc (09022015). Collection method: clinical testing. Allele origin: germline.
Comment: This sequence change replaces arginine, which is basic and polar, with cysteine, which is neutral and slightly polar, at codon 1273 of the MYH14 protein (p.Arg1273Cys). This variant is present in population databases (rs776550700, gnomAD 0.0009%). This variant has not been reported in the literature in individuals affected with MYH14-related conditions. ClinVar contains an entry for this variant (Variation ID: 290818). Advanced modeling of protein sequence and biophysical properties (such as structural, functional, and spatial information, amino acid conservation, physicochemical variation, residue mobility, and thermodynamic stability) performed at Invitae indicates that this missense variant is expected to disrupt MYH14 protein function with a positive predictive value of 80%. In summary, the available evidence is currently insufficient to determine the role of this variant in disease. Therefore, it has been classified as a Variant of Uncertain Significance.

Eurofins Ntd Llc (ga)
Classification: Uncertain significance. Last evaluated: 2016-09-14. Review status: criteria provided, single submitter. Criteria: EGL Classification Definitions 2015. Collection method: clinical testing. Allele origin: germline. Observed: 1 variant allele, 1 heterozygote.

NM_001145809.2(MYH14):c.3940C>T (p.Arg1314Cys)

Gene: MYH14 (myosin heavy chain 14; plus strand). Cytogenetic location: 19q13.33.
Variant type: single nucleotide variant.
Coding change: c.3940C>T on transcript NM_001145809.2 (MANE Select); coding-DNA position 3940, C replaced by T.
Protein change: p.Arg1314Cys; replaces arginine 1314 with cysteine.
Molecular consequence: missense variant.
Genome position (GRCh38, 1-based): chr19:50,278,197, C>T. VCF-style: chr19-50278197-C-T. GRCh37 (hg19) VCF-style: chr19-50781454-C-T.
Other names: c.3817C>T (NM_024729.3); c.3841C>T, p.Arg1281Cys (NM_001077186.2); c.3817C>T, p.Arg1273Cys (NM_024729.4); short protein forms R1273C, R1314C, R1281C.
Identifiers: ClinVar variation 290818 (VCV000290818.8), dbSNP rs776550700, ClinGen allele CA9593377.
Genomic context (GRCh38, chr19:50,278,197, plus strand): 5'-CTGCGGGCAGAACTGAGCAGCCTGCAGACTGCACGTCAGGAGGGTGAGCAGCGGAGGCGC[C>T]GCCTGGAGTTACAGCTGCAGGAGGTGCAGGGCCGGGCTGGTGATGGGGAGAGGGCACGAG-3'
Protein context (NP_001139281.1, residues 1304-1324): ARQEGEQRRR[Arg1314Cys]LELQLQEVQG